The following is an entry in ClinVar:

NM_005431.2(XRCC2):c.746G>A (p.Ser249Asn)

Gene: XRCC2 (X-ray repair cross complementing 2; minus strand). Cytogenetic location: 7q36.1.
Variant type: single nucleotide variant.
Coding change: c.746G>A on transcript NM_005431.2 (MANE Select); coding-DNA position 746, G replaced by A.
Protein change: p.Ser249Asn; replaces serine 249 with asparagine.
Molecular consequence: missense variant.
Genome position (GRCh38, 1-based): chr7:152,648,739, C>T on the plus strand (G>A on the coding strand, the complement: XRCC2 is on the minus strand). VCF-style: chr7-152648739-C-T. GRCh37 (hg19) VCF-style: chr7-152345824-C-T.
Other names: short protein forms S249N.
Identifiers: ClinVar variation 3471470 (VCV003471470.1).

ClinVar aggregate classification (germline): Uncertain significance (1 of 4 stars; one submission).

Conditions:
Hereditary cancer-predisposing syndrome. Also called: Tumor predisposition; Neoplastic Syndromes, Hereditary; Hereditary neoplastic syndrome; Hereditary Cancer Syndrome. Identifiers: Orphanet 140162, MedGen C0027672, MeSH D009386, MONDO:0015356.

Submission:

Ambry Genetics
Classification: Uncertain significance for Hereditary cancer-predisposing syndrome. Last evaluated: 2024-09-26. Review status: criteria provided, single submitter. Criteria: Ambry Variant Classification Scheme 2023. Collection method: clinical testing. Allele origin: germline.
Comment: The p.S249N variant (also known as c.746G>A), located in coding exon 3 of the XRCC2 gene, results from a G to A substitution at nucleotide position 746. The serine at codon 249 is replaced by asparagine, an amino acid with highly similar properties. This amino acid position is conserved. In addition, this alteration is predicted to be tolerated by in silico analysis. Based on the available evidence, the clinical significance of this variant remains unclear.